The following is an entry in ClinVar:

ClinVar aggregate classification (germline): Uncertain significance (1 of 4 stars; one submission).

gnomAD v4.1: 28 of 1,613,710 alleles (0.0017%); highest among the groups gnomAD compares: South Asian, 0.0055%; no homozygotes.

Submission:

Labcorp Genetics (formerly Invitae), Labcorp
Classification: Uncertain significance. Last evaluated: 2024-05-13. Review status: criteria provided, single submitter. Criteria: Invitae Variant Classification Sherloc (09022015). Collection method: clinical testing. Allele origin: germline.
Comment: This sequence change replaces glutamic acid, which is acidic and polar, with lysine, which is basic and polar, at codon 162 of the MCM2 protein (p.Glu162Lys). This variant is present in population databases (rs770294155, gnomAD 0.004%). This variant has not been reported in the literature in individuals affected with MCM2-related conditions. An algorithm developed to predict the effect of missense changes on protein structure and function (PolyPhen-2) suggests that this variant is likely to be tolerated. In summary, the available evidence is currently insufficient to determine the role of this variant in disease. Therefore, it has been classified as a Variant of Uncertain Significance.

NM_004526.4(MCM2):c.484G>A (p.Glu162Lys)

Gene: MCM2 (minichromosome maintenance complex component 2; plus strand). Cytogenetic location: 3q21.3.
Variant type: single nucleotide variant.
Coding change: c.484G>A on transcript NM_004526.4 (MANE Select); coding-DNA position 484, G replaced by A.
Protein change: p.Glu162Lys; replaces glutamic acid 162 with lysine.
Molecular consequence: missense variant. On other transcripts: non-coding transcript variant (1).
Genome position (GRCh38, 1-based): chr3:127,604,967, G>A. VCF-style: chr3-127604967-G-A. GRCh37 (hg19) VCF-style: chr3-127323810-G-A.
Other names: short protein forms E162K.
Identifiers: ClinVar variation 3708508 (VCV003708508.2).